The following is an entry in ClinVar:

NM_016247.4(IMPG2):c.191A>T (p.Gln64Leu)

Gene: IMPG2 (interphotoreceptor matrix proteoglycan 2; minus strand). Cytogenetic location: 3q12.3.
Variant type: single nucleotide variant.
Coding change: c.191A>T on transcript NM_016247.4 (MANE Select); coding-DNA position 191, A replaced by T.
Protein change: p.Gln64Leu; replaces glutamine 64 with leucine.
Molecular consequence: missense variant.
Genome position (GRCh38, 1-based): chr3:101,319,727, T>A on the plus strand (A>T on the coding strand, the complement: IMPG2 is on the minus strand). VCF-style: chr3-101319727-T-A. GRCh37 (hg19) VCF-style: chr3-101038571-T-A.
Other names: short protein forms Q64L.
Identifiers: ClinVar variation 1971240 (VCV001971240.6), dbSNP rs1365063142, ClinGen allele CA353858305.

ClinVar aggregate classification (germline): Uncertain significance. Review status: criteria provided, multiple submitters, no conflicts (2 of 4 stars). 2 submissions from 2 submitters: Uncertain significance (2). Last evaluated 2022-09-06.

Submissions (2):

Labcorp Genetics (formerly Invitae), Labcorp
Classification: Uncertain significance. Last evaluated: 2022-09-06. Review status: criteria provided, single submitter. Criteria: Invitae Variant Classification Sherloc (09022015). Collection method: clinical testing. Allele origin: germline.
Comment: In summary, the available evidence is currently insufficient to determine the role of this variant in disease. Therefore, it has been classified as a Variant of Uncertain Significance. Algorithms developed to predict the effect of missense changes on protein structure and function output the following: SIFT: "Tolerated"; PolyPhen-2: "Benign"; Align-GVGD: "Class C0". The leucine amino acid residue is found in multiple mammalian species, which suggests that this missense change does not adversely affect protein function. This variant has not been reported in the literature in individuals affected with IMPG2-related conditions. This variant is not present in population databases (gnomAD no frequency). This sequence change replaces glutamine, which is neutral and polar, with leucine, which is neutral and non-polar, at codon 64 of the IMPG2 protein (p.Gln64Leu).

Blueprint Genetics
Classification: Uncertain significance. Last evaluated: 2020-01-16. Review status: criteria provided, single submitter. Criteria: ACMG Guidelines, 2015. Collection method: clinical testing. Allele origin: germline.